The following is an entry in ClinVar:

NM_001099271.2(POC5):c.57_59del (p.Gly20del)

Gene: POC5 (POC5 centriolar protein; minus strand). Cytogenetic location: 5q13.3.
Variant type: Deletion.
Coding change: c.57_59del on transcript NM_001099271.2 (MANE Select); coding-DNA positions 57 to 59, 3 bases deleted (AGG; older notation c.57_59delAGG).
Protein change: p.Gly20del; deletes glycine 20.
Molecular consequence: inframe deletion.
Genome position (GRCh38, 1-based): chr5:75,712,879-75,712,881, CCT deleted on the plus strand (AGG on the coding strand, the reverse complement: POC5 is on the minus strand); deleting any 3 consecutive bases within chr5:75,712,879-75,712,882 gives the same sequence; the c. name uses the placement nearest the transcript's 3' end. VCF-style (leftmost placement, unchanged base first): chr5-75712878-GCCT-G. GRCh37 (hg19) VCF-style: chr5-75008703-GCCT-G.
Other names: short protein forms G20del.
Identifiers: ClinVar variation 2069197 (VCV002069197.4), dbSNP rs752695169, ClinGen allele CA3310700.

ClinVar aggregate classification (germline): Uncertain significance (1 of 4 stars; one submission).

Submission:

Labcorp Genetics (formerly Invitae), Labcorp
Classification: Uncertain significance. Last evaluated: 2025-11-26. Review status: criteria provided, single submitter. Criteria: Invitae Variant Classification Sherloc (09022015). Collection method: clinical testing. Allele origin: germline.
Comment: This variant, c.57_59del, results in the deletion of 1 amino acid(s) of the POC5 protein (p.Gly20del), but otherwise preserves the integrity of the reading frame. This variant is present in population databases (rs752695169, gnomAD 0.06%), and has an allele count higher than expected for a pathogenic variant. This variant has not been reported in the literature in individuals affected with POC5-related conditions. ClinVar contains an entry for this variant (Variation ID: 2069197). Experimental studies and prediction algorithms are not available or were not evaluated, and the functional significance of this variant is currently unknown. In summary, the available evidence is currently insufficient to determine the role of this variant in disease. Therefore, it has been classified as a Variant of Uncertain Significance.